The following is an entry in ClinVar:

ClinVar aggregate classification (germline): Uncertain significance (1 of 4 stars; one submission).

Conditions:
Multiple endocrine neoplasia, type 2 (MEN2). Identifiers: Orphanet 653, MedGen C4048306, MONDO:0019003. Disease mechanism: gain of function.

Submission:

All of Us Research Program, National Institutes of Health
Classification: Uncertain significance for Multiple endocrine neoplasia, type 2. Last evaluated: 2023-05-31. Review status: criteria provided, single submitter. Criteria: ACMG Guidelines, 2015. Collection method: clinical testing. Allele origin: germline. Inheritance: Autosomal dominant inheritance. Observed: 1 variant allele, 1 heterozygote.
Comment: This study involves interpretation of variants in research participants for the purpose of population health screening. Participant phenotype was not available at the time of variant classification. Additional details can be found in publication PMID: 35346344, PMCID: PMC8962531

NM_020975.6(RET):c.2664G>A (p.Met888Ile)

Gene: RET (ret proto-oncogene; plus strand). Cytogenetic location: 10q11.21.
Variant type: single nucleotide variant.
Coding change: c.2664G>A on transcript NM_020975.6 (MANE Select); coding-DNA position 2664, G replaced by A.
Protein change: p.Met888Ile; replaces methionine 888 with isoleucine.
Molecular consequence: missense variant.
Genome position (GRCh38, 1-based): chr10:43,120,137, G>A. VCF-style: chr10-43120137-G-A. GRCh37 (hg19) VCF-style: chr10-43615585-G-A.
Other names: c.2664G>A, p.Met888Ile (NM_000323.2, NM_001406743.1, NM_001406744.1 and 4 more transcripts); c.1902G>A, p.Met634Ile (NM_001355216.2); c.2535G>A, p.Met845Ile (NM_001406761.1, NM_001406762.1, NM_001406764.1); c.2529G>A, p.Met843Ile (NM_001406763.1, NM_001406765.1); c.2376G>A, p.Met792Ile (NM_001406766.1, NM_001406767.1, NM_001406770.1); c.2400G>A, p.Met800Ile (NM_001406768.1); c.2268G>A, p.Met756Ile (NM_001406769.1, NM_001406772.1); c.2226G>A, p.Met742Ile (NM_001406771.1, NM_001406773.1); and 10 more; short protein forms M405I, M453I, M493I, M544I, M546I, M549I, M558I, M589I.
Identifiers: ClinVar variation 3071298 (VCV003071298.1), dbSNP rs2132961468, ClinGen allele CA376557176.